The following is an entry in ClinVar:

ClinVar aggregate classification (germline): Uncertain significance (1 of 4 stars; one submission).

Submission:

Labcorp Genetics (formerly Invitae), Labcorp
Classification: Uncertain significance. Last evaluated: 2023-03-19. Review status: criteria provided, single submitter. Criteria: Invitae Variant Classification Sherloc (09022015). Collection method: clinical testing. Allele origin: germline.
Comment: In summary, the available evidence is currently insufficient to determine the role of this variant in disease. Therefore, it has been classified as a Variant of Uncertain Significance. Algorithms developed to predict the effect of sequence changes on RNA splicing suggest that this variant may create or strengthen a splice site. This variant has not been reported in the literature in individuals affected with RNF43-related conditions. This variant is not present in population databases (gnomAD no frequency). This sequence change falls in intron 5 of the RNF43 gene. It does not directly change the encoded amino acid sequence of the RNF43 protein.

NM_017763.6(RNF43):c.583-18T>G

Gene: RNF43 (ring finger protein 43; minus strand). Cytogenetic location: 17q22.
Variant type: single nucleotide variant.
Coding change: c.583-18T>G on transcript NM_017763.6 (MANE Select); 18 bases into the intron before coding-DNA position 583, T replaced by G.
Molecular consequence: intron variant.
Genome position (GRCh38, 1-based): chr17:58,362,666, A>C on the plus strand (T>G on the coding strand, the complement: RNF43 is on the minus strand). VCF-style: chr17-58362666-A-C. GRCh37 (hg19) VCF-style: chr17-56440027-A-C.
Other names: c.583-18T>G (NM_001438822.1, NM_001305544.3, NM_001438820.1 and 1 more transcripts); c.202-18T>G (NM_001305545.2, NM_001437987.1).
Identifiers: ClinVar variation 3006190 (VCV003006190.3), dbSNP rs2509364154, ClinGen allele CA2576334061.